The following is an entry in ClinVar:

ClinVar aggregate classification (germline): Likely pathogenic (1 of 4 stars; one submission).

Conditions:
Intellectual developmental disorder with language impairment and early-onset DOPA-responsive dystonia-parkinsonism (IDLDP). Identifiers: Orphanet 660017, MedGen C5677001, MONDO:0859257, OMIM 619911.

Submission:

Variantyx, Inc.
Classification: Likely pathogenic for Intellectual developmental disorder with language impairment and early-onset DOPA-responsive dystonia-parkinsonism. Last evaluated: 2025-09-05. Review status: criteria provided, single submitter. Criteria: Variantyx Assertion Criteria 2022. Collection method: clinical testing. Allele origin: germline. Inheritance: Autosomal dominant inheritance. Affected: yes.
Comment: This is a frameshift variant in the NR4A2 gene (OMIM: 601828). Pathogenic variants in this gene have been associated with autosomal dominant intellectual developmental disorder with language impairment and early onset dopa responsive dystonia parkinsonism. This variant introduces a premature termination codon in exon 7 out of 8 and is expected to result in loss of function, which is a known disease mechanism for NR4A2 in this disorder (PMID: 31922365, 32366965) (PVS1). This variant is absent from control populations (PM2). Based on the current evidence, this variant is classified as likely pathogenic for autosomal dominant intellectual developmental disorder with language impairment and early onset dopa responsive dystonia parkinsonism.

Literature cited by the submitters: PubMed 31922365; PubMed 32366965.

NM_006186.4(NR4A2):c.1402del (p.Val468fs)

Gene: NR4A2 (nuclear receptor subfamily 4 group A member 2; minus strand). Cytogenetic location: 2q24.1.
Variant type: Deletion.
Coding change: c.1402del on transcript NM_006186.4 (MANE Select); coding-DNA position 1402, one base deleted (G; older notation c.1402delG).
Protein change: p.Val468fs; shifts the reading frame from valine 468.
Molecular consequence: frameshift variant.
Genome position (GRCh38, 1-based): chr2:156,326,288, C deleted on the plus strand (G on the coding strand, the reverse complement: NR4A2 is on the minus strand); the first of 4 consecutive C bases (chr2:156,326,288-156,326,291); deleting any one gives the same sequence. VCF-style (leftmost placement, unchanged base first): chr2-156326287-AC-A. GRCh37 (hg19) VCF-style: chr2-157182799-AC-A.
Other names: c.1213del, p.Val405fs (NM_173173.3); short protein forms V405fs, V468fs.
Identifiers: ClinVar variation 4852165 (VCV004852165.1).